The following is an entry in ClinVar:

ClinVar aggregate classification (germline): Benign/Likely benign. Review status: criteria provided, multiple submitters, no conflicts (2 of 4 stars). 8 submissions from 8 submitters: Benign (4); Likely benign (2). 2 of the submissions do not count toward it. Last evaluated 2026-02-04.

Conditions:
Pontoneocerebellar hypoplasia. Also called: Non-syndromic pontocerebellar hypoplasia; Pontocerebellar hypoplasia. Identifiers: Orphanet 98523, MedGen C1261175, MONDO:0020135.

Allele frequency attached by ClinVar (database versions not stated): 1000 Genomes Project 30x 0.00953; 1000 Genomes Project 0.00998; gnomAD exomes 0.01343 and 0.02215; ExAC 0.01366; gnomAD 0.01410 and 0.01485; TOPMed 0.01530; ESP Exome Variant Server 0.01891.
gnomAD v4.1: 34,322 of 1,612,748 alleles (2.1%); highest among the groups gnomAD compares: Non-Finnish European, 2.6%; 453 homozygotes.

Submissions (8):

Labcorp Genetics (formerly Invitae), Labcorp
Classification: Benign. Last evaluated: 2026-02-04. Review status: criteria provided, single submitter. Criteria: Invitae Variant Classification Sherloc (09022015). Collection method: clinical testing. Allele origin: germline.

Athena Diagnostics
Classification: Benign. Last evaluated: 2024-04-11. Review status: criteria provided, single submitter. Criteria: Athena Diagnostics Criteria. Collection method: clinical testing. Allele origin: unknown.

Illumina Laboratory Services, Illumina
Classification: Benign for Pontoneocerebellar hypoplasia. Last evaluated: 2018-01-12. Review status: criteria provided, single submitter. Criteria: ICSL Variant Classification Criteria 13 December 2019. Collection method: clinical testing. Allele origin: germline.
Comment: This variant was observed in the ICSL laboratory as part of a predisposition screen in an ostensibly healthy population. It had not been previously curated by ICSL or reported in the Human Gene Mutation Database (HGMD: prior to June 1st, 2018), and was therefore a candidate for classification through an automated scoring system. Utilizing variant allele frequency, disease prevalence and penetrance estimates, and inheritance mode, an automated score was calculated to assess if this variant is too frequent to cause the disease. Based on the score and internal cut-off values, a variant classified as benign is not then subjected to further curation. The score for this variant resulted in a classification of benign for this disease.

GeneDx
Classification: Benign. Last evaluated: 2015-03-03. Review status: criteria provided, single submitter. Criteria: GeneDx Variant Classification Process June 2021. Collection method: clinical testing. Allele origin: germline. Affected: yes.

Genetic Services Laboratory, University of Chicago
Classification: Likely benign. Last evaluated: 2013-04-25. Review status: criteria provided, single submitter. Criteria: ACMG Guidelines, 2007. Collection method: clinical testing. Allele origin: germline. Inheritance: Autosomal recessive inheritance.
Comment: Likely benign based on allele frequency in 1000 Genomes Project or ESP global frequency and its presence in a patient with a rare or unrelated disease phenotype. NOT Sanger confirmed

Breakthrough Genomics
Classification: Likely benign. Review status: criteria provided, single submitter. Criteria: ACMG Guidelines, 2015. Collection method: not provided. Allele origin: germline. Inheritance: Autosomal recessive inheritance. Affected: yes.

Clinical Genetics DNA and cytogenetics Diagnostics Lab, Erasmus MC, Erasmus Medical Center
Classification: Benign. Review status: no assertion criteria provided. Collection method: clinical testing. Allele origin: germline. Affected: yes. Study: VKGL Data-share Consensus. Not counted in ClinVar's aggregate classification.

Clinical Genetics, Academic Medical Center
Classification: Likely benign. Review status: no assertion criteria provided. Collection method: clinical testing. Allele origin: germline. Affected: yes. Study: VKGL Data-share Consensus. Not counted in ClinVar's aggregate classification.

Literature cited by the submitters: PubMed 20952379 (cited by Athena Diagnostics).

NM_207346.3(TSEN54):c.624-9G>A

Gene: TSEN54 (tRNA splicing endonuclease subunit 54; plus strand). Cytogenetic location: 17q25.1.
Variant type: single nucleotide variant.
Coding change: c.624-9G>A on transcript NM_207346.3 (MANE Select); 9 bases into the intron before coding-DNA position 624, G replaced by A.
Molecular consequence: intron variant.
Genome position (GRCh38, 1-based): chr17:75,521,696, G>A. VCF-style: chr17-75521696-G-A. GRCh37 (hg19) VCF-style: chr17-73517777-G-A.
Identifiers: ClinVar variation 160138 (VCV000160138.23), dbSNP rs138719855, ClinGen allele CA173739.